The following is an entry in ClinVar:

NM_000368.5(TSC1):c.1779A>G (p.Arg593=)

Gene: TSC1 (TSC complex subunit 1; minus strand). Cytogenetic location: 9q34.13.
Variant type: single nucleotide variant.
Coding change: c.1779A>G on transcript NM_000368.5 (MANE Select); coding-DNA position 1779, A replaced by G.
Protein change: p.Arg593=; no amino-acid change (arginine 593 retained).
Molecular consequence: synonymous variant.
Genome position (GRCh38, 1-based): chr9:132,905,799, T>C on the plus strand (A>G on the coding strand, the complement: TSC1 is on the minus strand). VCF-style: chr9-132905799-T-C. GRCh37 (hg19) VCF-style: chr9-135781186-T-C.
Other names: c.1776A>G, p.Arg592= (NM_001162426.2); c.1626A>G, p.Arg542= (NM_001162427.2); c.1416A>G, p.Arg472= (NM_001362177.2).
Identifiers: ClinVar variation 466041 (VCV000466041.19), dbSNP rs964191879, ClinGen allele CA200888395.

ClinVar aggregate classification (germline): Conflicting classifications of pathogenicity. Review status: criteria provided, conflicting classifications (1 of 4 stars). 6 submissions from 6 submitters: Uncertain significance (1); Benign (2); Likely benign (3). Last evaluated 2026-01-20.

Conditions:
Hereditary cancer-predisposing syndrome. Also called: Hereditary neoplastic syndrome; Neoplastic Syndromes, Hereditary; Tumor predisposition; Hereditary Cancer Syndrome. Identifiers: Orphanet 140162, MedGen C0027672, MeSH D009386, MONDO:0015356.
Tuberous sclerosis syndrome (TSC). Also called: Tuberous Sclerosis Complex; Tuberous sclerosis. Identifiers: Orphanet 805, MedGen C0041341, MONDO:0001734.
Tuberous sclerosis 1 (TSC1). Identifiers: Orphanet 805, MedGen C1854465, MONDO:0008612, OMIM 191100.

Allele frequency attached by ClinVar (database versions not stated): gnomAD 0.00001; gnomAD exomes 0.00001; TOPMed 0.00001.
gnomAD v4.1: 7 of 1,614,038 alleles (0.00043%); highest among the groups gnomAD compares: Non-Finnish European, 0.00059%; no homozygotes.

Submissions (6):

Labcorp Genetics (formerly Invitae), Labcorp
Classification: Likely benign for Tuberous sclerosis 1. Last evaluated: 2026-01-20. Review status: criteria provided, single submitter. Criteria: Invitae Variant Classification Sherloc (09022015). Collection method: clinical testing. Allele origin: germline.

Myriad Genetics, Inc.
Classification: Benign for Tuberous sclerosis 1. Last evaluated: 2025-04-10. Review status: criteria provided, single submitter. Criteria: Myriad Autosomal Dominant, Autosomal Recessive and X-Linked Classification Criteria (2023). Collection method: clinical testing. Allele origin: unknown.
Comment: This variant is considered benign. This variant is a silent/synonymous amino acid change and it is not expected to impact splicing.

All of Us Research Program, National Institutes of Health
Classification: Uncertain significance for Tuberous sclerosis syndrome. Last evaluated: 2023-08-15. Review status: criteria provided, single submitter. Criteria: ACMG Guidelines, 2015. Collection method: clinical testing. Allele origin: germline. Inheritance: Autosomal dominant inheritance. Observed: 1 variant allele, 1 heterozygote.
Comment: This variant is located in the TSC1 protein. To our knowledge, functional studies have not been reported for this variant. This variant has not been reported in individuals affected with TSC1-related disorders in the literature. This variant has not been identified in the general population by the Genome Aggregation Database (gnomAD). The available evidence is insufficient to determine the role of this variant in disease conclusively. Therefore, this variant is classified as a Variant of Uncertain Significance.

This study involves interpretation of variants in research participants for the purpose of population health screening. Participant phenotype was not available at the time of variant classification. Additional details can be found in publication PMID: 35346344, PMCID: PMC8962531

Genome-Nilou Lab
Classification: Benign for Tuberous sclerosis 1. Last evaluated: 2021-11-07. Review status: criteria provided, single submitter. Criteria: ACMG Guidelines, 2015. Collection method: clinical testing. Allele origin: germline. Affected: no.

Ambry Genetics
Classification: Likely benign for Hereditary cancer-predisposing syndrome. Last evaluated: 2018-07-04. Review status: criteria provided, single submitter. Criteria: Ambry Variant Classification Scheme 2023. Collection method: clinical testing. Allele origin: germline.

GeneDx
Classification: Likely benign. Last evaluated: 2017-02-23. Review status: criteria provided, single submitter. Criteria: GeneDx Variant Classification (06012015). Collection method: clinical testing. Allele origin: germline. Affected: yes.
Comment: This variant is considered likely benign or benign based on one or more of the following criteria: it is a conservative change, it occurs at a poorly conserved position in the protein, it is predicted to be benign by multiple in silico algorithms, and/or has population frequency not consistent with disease.